The following is an entry in ClinVar:

ClinVar aggregate classification (germline): Likely benign (1 of 4 stars; one submission).

Submission:

Laboratory for Molecular Medicine, Mass General Brigham Personalized Medicine
Classification: Likely benign. Last evaluated: 2016-04-18. Review status: criteria provided, single submitter. Criteria: LMM Criteria. Collection method: clinical testing. Allele origin: germline. Observed: 1 variant allele.
Comment: m.961_962delTC in MT-RNR1: This variant is not expected to have clinical signifi cance because it is present in 60% of haplogroup N9a.

NC_012920.1(MT-RNR1):m.961_962del

Gene: MT-RNR1 (mitochondrially encoded 12S RNA; plus strand).
Variant type: Deletion.
Genome position: chrM-959-CCT-C.
Identifiers: ClinVar variation 504956 (VCV000504956.4), dbSNP rs1556422498, ClinGen allele CA658799928.